The following is an entry in ClinVar:

NM_002907.4(RECQL):c.571C>A (p.Pro191Thr)

Gene: RECQL (RecQ like helicase; minus strand). Cytogenetic location: 12p12.1.
Variant type: single nucleotide variant.
Coding change: c.571C>A on transcript NM_002907.4 (MANE Select); coding-DNA position 571, C replaced by A.
Protein change: p.Pro191Thr; replaces proline 191 with threonine.
Molecular consequence: missense variant.
Genome position (GRCh38, 1-based): chr12:21,483,505, G>T on the plus strand (C>A on the coding strand, the complement: RECQL is on the minus strand). VCF-style: chr12-21483505-G-T. GRCh37 (hg19) VCF-style: chr12-21636439-G-T.
Other names: c.571C>A, p.Pro191Thr (NM_032941.3); short protein forms P191T.
Identifiers: ClinVar variation 4152326 (VCV004152326.1).

ClinVar aggregate classification (germline): Uncertain significance (1 of 4 stars; one submission).

gnomAD v4.1: 1 of 1,587,206 alleles (0.000063%); highest among the groups gnomAD compares: Admixed American, 0.002%; no homozygotes.

Submission:

Ambry Genetics
Classification: Uncertain significance. Last evaluated: 2025-09-01. Review status: criteria provided, single submitter. Criteria: Ambry Variant Classification Scheme 2023. Collection method: clinical testing. Allele origin: germline.
Comment: The p.P191T variant (also known as c.571C>A), located in coding exon 5 of the RECQL gene, results from a C to A substitution at nucleotide position 571. The proline at codon 191 is replaced by threonine, an amino acid with highly similar properties. This amino acid position is conserved. In addition, this alteration is predicted to be deleterious by in silico analysis. Based on the available evidence, the clinical significance of this variant remains unclear.